The following is an entry in ClinVar:

NM_000334.4(SCN4A):c.3275A>G (p.Tyr1092Cys)

Genes: GH-LCR (growth hormone locus control region; plus strand), SCN4A (sodium voltage-gated channel alpha subunit 4; minus strand). Cytogenetic location: 17q23.3.
Variant type: single nucleotide variant.
Coding change: c.3275A>G on transcript NM_000334.4 (MANE Select); coding-DNA position 3275, A replaced by G.
Protein change: p.Tyr1092Cys; replaces tyrosine 1092 with cysteine.
Molecular consequence: missense variant.
Genome position (GRCh38, 1-based): chr17:63,947,933, T>C on the plus strand (A>G on the coding strand, the complement: SCN4A is on the minus strand). VCF-style: chr17-63947933-T-C. GRCh37 (hg19) VCF-style: chr17-62025293-T-C.
Other names: short protein forms Y1092C.
Identifiers: ClinVar variation 3067503 (VCV003067503.22), dbSNP rs2509294536, ClinGen allele CA400621021.

ClinVar aggregate classification (germline): Uncertain significance. Review status: criteria provided, multiple submitters, no conflicts (2 of 4 stars). 2 submissions from 2 submitters: Uncertain significance (2). Last evaluated 2026-06-23.

Conditions:
Inborn genetic diseases. Identifiers: MedGen C0950123, MeSH D030342.

Submissions (2):

Ambry Genetics
Classification: Uncertain significance for Inborn genetic diseases. Last evaluated: 2026-06-23. Review status: criteria provided, single submitter. Criteria: Ambry Variant Classification Scheme 2023. Collection method: clinical testing. Allele origin: germline.

CeGaT Center for Human Genetics Tuebingen
Classification: Uncertain significance. Last evaluated: 2024-03-01. Review status: criteria provided, single submitter. Criteria: CeGaT Center For Human Genetics Tuebingen Variant Classification Criteria Version 2. Collection method: clinical testing. Allele origin: germline. Affected: yes. Observed: 1 variant allele.
Comment: SCN4A: PM2, PP3